The following is an entry in ClinVar:

NM_000069.3(CACNA1S):c.2395A>T (p.Thr799Ser)

Gene: CACNA1S (calcium voltage-gated channel subunit alpha1 S; minus strand). Cytogenetic location: 1q32.1.
Variant type: single nucleotide variant.
Coding change: c.2395A>T on transcript NM_000069.3 (MANE Select); coding-DNA position 2395, A replaced by T.
Protein change: p.Thr799Ser; replaces threonine 799 with serine.
Molecular consequence: missense variant.
Genome position (GRCh38, 1-based): chr1:201,069,567, T>A on the plus strand (A>T on the coding strand, the complement: CACNA1S is on the minus strand). VCF-style: chr1-201069567-T-A. GRCh37 (hg19) VCF-style: chr1-201038695-T-A.
Other names: short protein forms T799S.
Identifiers: ClinVar variation 664196 (VCV000664196.9), dbSNP rs1572042622, ClinGen allele CA344107681.

ClinVar aggregate classification (germline): Uncertain significance (1 of 4 stars; one submission).

Conditions:
Hypokalemic periodic paralysis, type 1. Also called: Hypokalemic Periodic Paralysis Type 1 (AD); HypoPP. Identifiers: Orphanet 681, MedGen C3714580, MONDO:0042979, OMIM 170400.
Malignant hyperthermia, susceptibility to, 5 (MHS5). Also called: CACNA1S-Related Malignant Hyperthermia Susceptibility. Identifiers: Orphanet 423, MedGen C1866077, MONDO:0011163, OMIM 601887.

Allele frequency attached by ClinVar (database versions not stated): gnomAD exomes below 0.00001.
gnomAD v4.1: 1 of 1,566,610 alleles (0.000064%); highest among the groups gnomAD compares: Non-Finnish European, 0.000087%; no homozygotes.

Submission:

Labcorp Genetics (formerly Invitae), Labcorp
Classification: Uncertain significance for Hypokalemic periodic paralysis, type 1; Malignant hyperthermia, susceptibility to, 5. Last evaluated: 2022-11-15. Review status: criteria provided, single submitter. Criteria: Invitae Variant Classification Sherloc (09022015). Collection method: clinical testing. Allele origin: germline.
Comment: This sequence change replaces threonine, which is neutral and polar, with serine, which is neutral and polar, at codon 799 of the CACNA1S protein (p.Thr799Ser). This variant is not present in population databases (gnomAD no frequency). This variant has not been reported in the literature in individuals affected with CACNA1S-related conditions. ClinVar contains an entry for this variant (Variation ID: 664196). Advanced modeling of protein sequence and biophysical properties (such as structural, functional, and spatial information, amino acid conservation, physicochemical variation, residue mobility, and thermodynamic stability) performed at Invitae indicates that this missense variant is not expected to disrupt CACNA1S protein function. In summary, the available evidence is currently insufficient to determine the role of this variant in disease. Therefore, it has been classified as a Variant of Uncertain Significance.